The following is an entry in ClinVar:

NC_000007.13:g.(101848451_101870646)_(101901514_?)dup

Gene: CUX1 (cut like homeobox 1; plus strand). Cytogenetic location: 7q22.1.
Variant type: Duplication.
Identifiers: ClinVar variation 3374909 (VCV003374909.1).

ClinVar aggregate classification (germline): Uncertain significance (1 of 4 stars; one submission).

Submission:

Women's Health and Genetics/Laboratory Corporation of America, LabCorp
Classification: Uncertain significance. Last evaluated: 2024-09-11. Review status: criteria provided, single submitter. Criteria: LabCorp Variant Classification Summary - May 2015. Collection method: clinical testing. Allele origin: germline.
Comment: Variant summary: The variant involves the duplication of exons 21-24 (Includes the last exon) in the CUX1 gene. The exact breakpoint at the 3' end of this variant is unknown, therefore this duplication may extend downstream of the annotated region of the gene. As it duplicates the termination codon, its effect on the encoded protein is unknown. A presumed nomenclature of c.(3163+1_3164-1)_(*9192_?)dup has been designated for the purposes of this classification. The variant was absent in 21694 control chromosomes (gnomAD structural variants dataset). The available data on variant occurrences in the general population are insufficient to allow any conclusion about variant significance. To our knowledge, no occurrence of c.(3163+1_3164-1)_(*9192_?)dup in individuals affected with Global Developmental Delay With Or Without Impaired Intellectual Development and no experimental evidence demonstrating its impact on protein function have been reported. No submitters have cited clinical-significance assessments for this variant to ClinVar. Based on the evidence outlined above, the variant was classified as uncertain significance.